The following is an entry in ClinVar:

ClinVar aggregate classification (germline): Uncertain significance (1 of 4 stars; one submission).

Submission:

GeneDx
Classification: Uncertain significance. Last evaluated: 2019-05-08. Review status: criteria provided, single submitter. Criteria: GeneDx Variant Classification Process June 2021. Collection method: clinical testing. Allele origin: germline. Affected: yes.
Comment: Not observed in large population cohorts (Lek et al., 2016); In silico analysis, which includes protein predictors and evolutionary conservation, supports a deleterious effect; Has not been previously published as pathogenic or benign to our knowledge

NM_004830.4(MED23):c.2663T>C (p.Leu888Ser)

Gene: MED23 (mediator complex subunit 23; minus strand). Cytogenetic location: 6q23.2.
Variant type: single nucleotide variant.
Coding change: c.2663T>C on transcript NM_004830.4 (MANE Select); coding-DNA position 2663, T replaced by C.
Protein change: p.Leu888Ser; replaces leucine 888 with serine.
Molecular consequence: missense variant. On other transcripts: intron variant (3).
Genome position (GRCh38, 1-based): chr6:131,596,633, A>G on the plus strand (T>C on the coding strand, the complement: MED23 is on the minus strand). VCF-style: chr6-131596633-A-G. GRCh37 (hg19) VCF-style: chr6-131917773-A-G.
Other names: c.2663T>C, p.Leu888Ser (NM_001270521.2, NM_001270522.2); c.2681T>C, p.Leu894Ser (NM_001376517.1, NM_015979.4); c.2609T>C, p.Leu870Ser (NM_001376518.1); c.2522T>C, p.Leu841Ser (NM_001376520.1); c.2408T>C, p.Leu803Ser (NM_001376523.1); c.2276T>C, p.Leu759Ser (NM_001376524.1); c.2608-470T>C (NM_001376522.1); c.2640+23T>C (NM_001376521.1, NM_001376519.1); short protein forms L759S, L803S, L841S, L870S, L888S, L894S.
Identifiers: ClinVar variation 1305606 (VCV001305606.2), dbSNP rs2114621275, ClinGen allele CA365665430.
Genomic context (GRCh38, chr6:131,596,633, plus strand): 5'-GAATTTTCCTTCACAAAGTCACTTACTCGATTTCTAAAATCGTTTGGTTTGAGTAACAGC[A>G]ACTGAATTATGAAATAACAAACCTGGGCTTCATTTCCTTCGTGACTACGCATGGCCTTTG-3'
Protein context (NP_004821.2, residues 878-898): EAQVCYFIIQ[Leu888Ser]LLLKPNDFRN